The following is an entry in ClinVar:

ClinVar aggregate classification (germline): Uncertain significance (1 of 4 stars; one submission).

Conditions:
Atrial fibrillation, familial, 11 (ATFB11). Identifiers: MedGen C3279693, MONDO:0013544, OMIM 614049.
Atrial standstill 1 (ATRST1). Also called: Atrial standstill, digenic (GJA5/SCN5A); ATRIAL CARDIOMYOPATHY WITH HEART BLOCK; CARDIOMYOPATHY, FAMILIAL, WITH CONDUCTION DISTURBANCE. Identifiers: Orphanet 1344, MedGen C4551959, MONDO:0007171, OMIM 108770.

Allele frequency attached by ClinVar (database versions not stated): gnomAD exomes below 0.00001; TOPMed 0.00001.
gnomAD v4.1: 3 of 1,613,840 alleles (0.00019%); highest among the groups gnomAD compares: South Asian, 0.0011%; no homozygotes.

Submission:

Labcorp Genetics (formerly Invitae), Labcorp
Classification: Uncertain significance for Atrial fibrillation, familial, 11; Atrial standstill 1. Last evaluated: 2021-04-12. Review status: criteria provided, single submitter. Criteria: Invitae Variant Classification Sherloc (09022015). Collection method: clinical testing. Allele origin: germline.
Comment: This variant has not been reported in the literature in individuals with GJA5-related conditions. This variant is not present in population databases (ExAC no frequency). This sequence change creates a premature translational stop signal (p.Arg237*) in the GJA5 gene. While this is not anticipated to result in nonsense mediated decay, it is expected to disrupt the last 122 amino acid(s) of the GJA5 protein. In summary, the available evidence is currently insufficient to determine the role of this variant in disease. Therefore, it has been classified as a Variant of Uncertain Significance. Experimental studies and prediction algorithms are not available or were not evaluated, and the functional significance of this variant is currently unknown.

NM_181703.4(GJA5):c.709C>T (p.Arg237Ter)

Genes: GJA5 (gap junction protein alpha 5; minus strand), LOC122128420 (Sharpr-MPRA regulatory region 3144; plus strand). Cytogenetic location: 1q21.2.
Variant type: single nucleotide variant.
Coding change: c.709C>T on transcript NM_181703.4 (MANE Select); coding-DNA position 709, C replaced by T.
Protein change: p.Arg237Ter; replaces arginine 237 with a stop codon.
Molecular consequence: nonsense.
Genome position (GRCh38, 1-based): chr1:147,758,530, G>A on the plus strand (C>T on the coding strand, the complement: GJA5 is on the minus strand). VCF-style: chr1-147758530-G-A. GRCh37 (hg19) VCF-style: chr1-147230638-G-A.
Other names: c.709C>T, p.Arg237Ter (NM_005266.7); short protein forms R237*.
Identifiers: ClinVar variation 1370893 (VCV001370893.8), dbSNP rs1476854402, ClinGen allele CA342394973.